The following is an entry in ClinVar:

ClinVar aggregate classification (germline): Uncertain significance. Review status: criteria provided, multiple submitters, no conflicts (2 of 4 stars). 2 submissions from 2 submitters: Uncertain significance (2). Last evaluated 2022-07-26.

Allele frequency attached by ClinVar (database versions not stated): gnomAD exomes below 0.00001 and 0.00001; TOPMed 0.00001.
gnomAD v4.1: 3 of 1,608,214 alleles (0.00019%); highest among the groups gnomAD compares: Admixed American, 0.0051%; no homozygotes.

Submissions (2):

Labcorp Genetics (formerly Invitae), Labcorp
Classification: Uncertain significance. Last evaluated: 2022-07-26. Review status: criteria provided, single submitter. Criteria: Invitae Variant Classification Sherloc (09022015). Collection method: clinical testing. Allele origin: germline.
Comment: ClinVar contains an entry for this variant (Variation ID: 1381733). This variant has not been reported in the literature in individuals affected with SLC24A1-related conditions. This variant is present in population databases (no rsID available, gnomAD 0.003%). This sequence change replaces methionine, which is neutral and non-polar, with leucine, which is neutral and non-polar, at codon 206 of the SLC24A1 protein (p.Met206Leu). Algorithms developed to predict the effect of missense changes on protein structure and function output the following: SIFT: "Deleterious"; PolyPhen-2: "Benign"; Align-GVGD: "Class C0". The leucine amino acid residue is found in multiple mammalian species, which suggests that this missense change does not adversely affect protein function. In summary, the available evidence is currently insufficient to determine the role of this variant in disease. Therefore, it has been classified as a Variant of Uncertain Significance.

Blueprint Genetics
Classification: Uncertain significance. Last evaluated: 2018-08-31. Review status: criteria provided, single submitter. Criteria: ACMG Guidelines, 2015. Collection method: clinical testing. Allele origin: germline.

NM_004727.3(SLC24A1):c.616A>C (p.Met206Leu)

Gene: SLC24A1 (solute carrier family 24 member 1; plus strand). Cytogenetic location: 15q22.31.
Variant type: single nucleotide variant.
Coding change: c.616A>C on transcript NM_004727.3 (MANE Select); coding-DNA position 616, A replaced by C.
Protein change: p.Met206Leu; replaces methionine 206 with leucine.
Molecular consequence: missense variant.
Genome position (GRCh38, 1-based): chr15:65,624,696, A>C. VCF-style: chr15-65624696-A-C. GRCh37 (hg19) VCF-style: chr15-65917034-A-C.
Other names: c.616A>C, p.Met206Leu (NM_001301031.1, NM_001301032.1, NM_001301033.2); short protein forms M206L.
Identifiers: ClinVar variation 1381733 (VCV001381733.6), dbSNP rs1332982540, ClinGen allele CA392914387.